The following is an entry in ClinVar:

NM_182961.4(SYNE1):c.3454G>A (p.Gly1152Ser)

Gene: SYNE1 (spectrin repeat containing nuclear envelope protein 1; minus strand). Cytogenetic location: 6q25.2.
Variant type: single nucleotide variant.
Coding change: c.3454G>A on transcript NM_182961.4 (MANE Select); coding-DNA position 3454, G replaced by A.
Protein change: p.Gly1152Ser; replaces glycine 1152 with serine.
Molecular consequence: missense variant.
Genome position (GRCh38, 1-based): chr6:152,449,583, C>T on the plus strand (G>A on the coding strand, the complement: SYNE1 is on the minus strand). VCF-style: chr6-152449583-C-T. GRCh37 (hg19) VCF-style: chr6-152770718-C-T.
Other names: c.3475G>A, p.Gly1159Ser (NM_033071.5); short protein forms G1152S, G1159S.
Identifiers: ClinVar variation 501641 (VCV000501641.12), dbSNP rs749547744, ClinGen allele CA4058841.

ClinVar aggregate classification (germline): Uncertain significance. Review status: criteria provided, multiple submitters, no conflicts (2 of 4 stars). 2 submissions from 2 submitters: Uncertain significance (2). Last evaluated 2018-05-14.

Conditions:
Emery-Dreifuss muscular dystrophy 4, autosomal dominant (EDMD4). Also called: EMERY-DREIFUSS MUSCULAR DYSTROPHY 4 WITH VARIABLE FEATURES. Identifiers: Orphanet 261, MedGen C2751807, MONDO:0013071, OMIM 612998.
Autosomal recessive ataxia, Beauce type. Also called: SYNE1 Deficiency; Spinocerebellar ataxia, autosomal recessive 8; ATAXIA, RECESSIVE, OF BEAUCE; SYNE1-Related Autosomal Recessive Cerebellar Ataxia. Identifiers: Orphanet 88644, MedGen C1853116, MONDO:0012549, OMIM 610743.

Allele frequency attached by ClinVar (database versions not stated): gnomAD 0.00001; TOPMed 0.00001; ExAC 0.00002; gnomAD exomes 0.00002.
gnomAD v4.1: 27 of 1,613,946 alleles (0.0017%); highest among the groups gnomAD compares: Non-Finnish European, 0.0022%; no homozygotes.

Submissions (2):

Labcorp Genetics (formerly Invitae), Labcorp
Classification: Uncertain significance for Emery-Dreifuss muscular dystrophy 4, autosomal dominant; Autosomal recessive ataxia, Beauce type. Last evaluated: 2018-05-14. Review status: criteria provided, single submitter. Criteria: Invitae Variant Classification Sherloc (09022015). Collection method: clinical testing. Allele origin: germline.
Comment: In summary, the available evidence is currently insufficient to determine the role of this variant in disease. Therefore, it has been classified as a Variant of Uncertain Significance. Algorithms developed to predict the effect of missense changes on protein structure and function output the following: SIFT: "Tolerated"; PolyPhen-2: "Benign"; Align-GVGD: "Class C0". The serine amino acid residue is found in multiple mammalian species, suggesting that this missense change does not adversely affect protein function. These predictions have not been confirmed by published functional studies and their clinical significance is uncertain. This variant has not been reported in the literature in individuals with SYNE1-related disease. ClinVar contains an entry for this variant (Variation ID: 501641). This variant is present in population databases (rs749547744, ExAC 0.01%). This sequence change replaces glycine with serine at codon 1159 of the SYNE1 protein (p.Gly1159Ser). The glycine residue is weakly conserved and there is a small physicochemical difference between glycine and serine.

Eurofins Ntd Llc (ga)
Classification: Uncertain significance. Last evaluated: 2017-04-27. Review status: criteria provided, single submitter. Criteria: EGL Classification Definitions 2015. Collection method: clinical testing. Allele origin: germline. Observed: 1 variant allele, 1 heterozygote.